The following is an entry in ClinVar:

ClinVar aggregate classification (germline): Likely benign (1 of 4 stars; one submission).

Conditions:
FAH-related disorder. Also called: FAH-related condition.

Submission:

PreventionGenetics, part of Exact Sciences
Classification: Likely benign for FAH-related condition. Last evaluated: 2026-02-11. Review status: criteria provided, single submitter. Criteria: ACMG Guidelines, 2015. Collection method: clinical testing. Allele origin: germline.
Comment: This variant is classified as likely benign based on ACMG/AMP sequence variant interpretation guidelines (Richards et al. 2015 PMID: 25741868, with internal and published modifications).

NM_000137.4(FAH):c.648C>T (p.Ile216=)

Gene: FAH (fumarylacetoacetate hydrolase; plus strand). Cytogenetic location: 15q25.1.
Variant type: single nucleotide variant.
Coding change: c.648C>T on transcript NM_000137.4 (MANE Select); coding-DNA position 648, C replaced by T.
Protein change: p.Ile216=; no amino-acid change (isoleucine 216 retained).
Molecular consequence: synonymous variant.
Genome position (GRCh38, 1-based): chr15:80,172,190, C>T. VCF-style: chr15-80172190-C-T. GRCh37 (hg19) VCF-style: chr15-80464532-C-T.
Other names: c.648C>T, p.Ile216= (NM_001374377.1, NM_001374380.1).
Identifiers: ClinVar variation 4995683 (VCV004995683.1).
Genomic context (GRCh38, chr15:80,172,190, plus strand): 5'-GAACTCTCCCCCATGTAAGGCTTTTTTTGTAGGCCCTGGAAACAGATTGGGAGAGCCGAT[C>T]CCCATTTCCAAGGCCCATGAGCACATTTTTGGAATGGTCCTTATGAACGACTGGAGTGGT-3'
Protein context (NP_000128.1, residues 206-226): VGPGNRLGEP[Ile216=]PISKAHEHIF